The following is an entry in ClinVar:

NM_016284.5(CNOT1):c.1892T>A (p.Leu631His)

Gene: CNOT1 (CCR4-NOT transcription complex subunit 1; minus strand). Cytogenetic location: 16q21.
Variant type: single nucleotide variant.
Coding change: c.1892T>A on transcript NM_016284.5 (MANE Select); coding-DNA position 1892, T replaced by A.
Protein change: p.Leu631His; replaces leucine 631 with histidine.
Molecular consequence: missense variant. On other transcripts: non-coding transcript variant (1).
Genome position (GRCh38, 1-based): chr16:58,574,696, A>T on the plus strand (T>A on the coding strand, the complement: CNOT1 is on the minus strand). VCF-style: chr16-58574696-A-T. GRCh37 (hg19) VCF-style: chr16-58608600-A-T.
Other names: c.1892T>A, p.Leu631His (NM_001265612.2, NM_206999.3); short protein forms L631H.
Identifiers: ClinVar variation 2764792 (VCV002764792.3), dbSNP rs2544049878, ClinGen allele CA396138843.

ClinVar aggregate classification (germline): Uncertain significance (1 of 4 stars; one submission).

Submission:

Labcorp Genetics (formerly Invitae), Labcorp
Classification: Uncertain significance. Last evaluated: 2025-05-05. Review status: criteria provided, single submitter. Criteria: Invitae Variant Classification Sherloc (09022015). Collection method: clinical testing. Allele origin: germline.
Comment: This sequence change replaces leucine, which is neutral and non-polar, with histidine, which is basic and polar, at codon 631 of the CNOT1 protein (p.Leu631His). This variant is not present in population databases (gnomAD no frequency). This variant has not been reported in the literature in individuals affected with CNOT1-related conditions. ClinVar contains an entry for this variant (Variation ID: 2764792). An algorithm developed to predict the effect of missense changes on protein structure and function (PolyPhen-2) suggests that this variant is likely to be disruptive. In summary, the available evidence is currently insufficient to determine the role of this variant in disease. Therefore, it has been classified as a Variant of Uncertain Significance.